The following is an entry in ClinVar:

NM_001037333.3(CYFIP2):c.300G>T (p.Glu100Asp)

Gene: CYFIP2 (cytoplasmic FMR1 interacting protein 2; plus strand). Cytogenetic location: 5q33.3.
Variant type: single nucleotide variant.
Coding change: c.300G>T on transcript NM_001037333.3 (MANE Select); coding-DNA position 300, G replaced by T.
Protein change: p.Glu100Asp; replaces glutamic acid 100 with aspartic acid.
Molecular consequence: missense variant.
Genome position (GRCh38, 1-based): chr5:157,296,687, G>T. VCF-style: chr5-157296687-G-T. GRCh37 (hg19) VCF-style: chr5-156723695-G-T.
Other names: c.222G>T, p.Glu74Asp (NM_001291721.2); c.300G>T, p.Glu100Asp (NM_001291722.2, NM_014376.4); short protein forms E100D, E74D.
Identifiers: ClinVar variation 1719503 (VCV001719503.5), dbSNP rs2532288205, ClinGen allele CA361965885.

ClinVar aggregate classification (germline): Uncertain significance (1 of 4 stars; one submission).

Submission:

Labcorp Genetics (formerly Invitae), Labcorp
Classification: Uncertain significance. Last evaluated: 2022-09-15. Review status: criteria provided, single submitter. Criteria: Invitae Variant Classification Sherloc (09022015). Collection method: clinical testing. Allele origin: germline.
Comment: This sequence change replaces glutamic acid, which is acidic and polar, with aspartic acid, which is acidic and polar, at codon 100 of the CYFIP2 protein (p.Glu100Asp). This variant is not present in population databases (gnomAD no frequency). This variant has not been reported in the literature in individuals affected with CYFIP2-related conditions. Algorithms developed to predict the effect of missense changes on protein structure and function are either unavailable or do not agree on the potential impact of this missense change (SIFT: "Tolerated"; PolyPhen-2: "Not Available"; Align-GVGD: "Class C0"). In summary, the available evidence is currently insufficient to determine the role of this variant in disease. Therefore, it has been classified as a Variant of Uncertain Significance.